The following is an entry in ClinVar:

NM_000059.4(BRCA2):c.9293A>T (p.Tyr3098Phe)

Gene: BRCA2 (BRCA2 DNA repair associated; plus strand). Cytogenetic location: 13q13.1.
Variant type: single nucleotide variant.
Coding change: c.9293A>T on transcript NM_000059.4 (MANE Select); coding-DNA position 9293, A replaced by T.
Protein change: p.Tyr3098Phe; replaces tyrosine 3098 with phenylalanine.
Molecular consequence: missense variant. On other transcripts: non-coding transcript variant (1).
Genome position (GRCh38, 1-based): chr13:32,394,725, A>T. VCF-style: chr13-32394725-A-T. GRCh37 (hg19) VCF-style: chr13-32968862-A-T.
Other names: c.9197A>T, p.Tyr3066Phe (NM_001406719.1); c.9242A>T, p.Tyr3081Phe (NM_001406720.1); c.2876A>T, p.Tyr959Phe (NM_001406722.1); c.9293A>T, p.Tyr3098Phe (NM_001432077.1); c.4361A>T, p.Tyr1454Phe (NM_001406721.1); short protein forms Y3081F, Y959F, Y1454F, Y3098F, Y3066F.
Identifiers: ClinVar variation 4215255 (VCV004215255.1).
Genomic context (GRCh38, chr13:32,394,725, plus strand): 5'-TCTTTTCTTTTTTTTCCATTCTAGGACTTGCCCCTTTCGTCTATTTGTCAGACGAATGTT[A>T]CAATTTACTGGCAATAAAGTTTTGGATAGACCTTAATGAGGACATTATTAAGCCTCATAT-3'
Protein context (NP_000050.3, residues 3088-3108): APFVYLSDEC[Tyr3098Phe]NLLAIKFWID

ClinVar aggregate classification (germline): Uncertain significance (1 of 4 stars; one submission).

Conditions:
Hereditary cancer-predisposing syndrome. Also called: Neoplastic Syndromes, Hereditary; Tumor predisposition; Hereditary Cancer Syndrome; Hereditary neoplastic syndrome. Identifiers: Orphanet 140162, MedGen C0027672, MeSH D009386, MONDO:0015356.

Submission:

Ambry Genetics
Classification: Uncertain significance for Hereditary cancer-predisposing syndrome. Last evaluated: 2025-06-24. Review status: criteria provided, single submitter. Criteria: Ambry Variant Classification Scheme 2023. Collection method: clinical testing. Allele origin: germline.
Comment: The p.Y3098F variant (also known as c.9293A>T), located in coding exon 24 of the BRCA2 gene, results from an A to T substitution at nucleotide position 9293. The tyrosine at codon 3098 is replaced by phenylalanine, an amino acid with highly similar properties. This amino acid position is conserved. In addition, this alteration is predicted to be tolerated by in silico analysis. Based on the available evidence, the clinical significance of this variant remains unclear.